The following is an entry in ClinVar:

NM_000317.3(PTS):c.315-2A>G

Gene: PTS (6-pyruvoyltetrahydropterin synthase; plus strand). Cytogenetic location: 11q23.1.
Variant type: single nucleotide variant.
Coding change: c.315-2A>G on transcript NM_000317.3 (MANE Select); the canonical splice acceptor site of the intron before coding-DNA position 315, A replaced by G.
Molecular consequence: splice acceptor variant.
Genome position (GRCh38, 1-based): chr11:112,233,430, A>G. VCF-style: chr11-112233430-A-G. GRCh37 (hg19) VCF-style: chr11-112104153-A-G.
Identifiers: ClinVar variation 558308 (VCV000558308.12), dbSNP rs1555198483, ClinGen allele CA382627932.

ClinVar aggregate classification (germline): Pathogenic/Likely pathogenic. Review status: criteria provided, multiple submitters, no conflicts (2 of 4 stars). 4 submissions from 4 submitters: Pathogenic (2); Likely pathogenic (1). 1 of the submissions does not count toward it. Last evaluated 2024-10-18.

Conditions:
6-Pyruvoyl-tetrahydrobiopterin synthase deficiency. Also called: PTS DEFICIENCY; HYPERPHENYLALANINEMIA, TETRAHYDROBIOPTERIN-DEFICIENT, DUE TO PTS DEFICIENCY; Hyperphenylalanemia, BH4-deficient, A; Hyperphenylalaninemia due to 6-pyruvoyl-tetrahydropterin synthase deficiency; 6-Pyruvoyltetrahydropterin Synthase Deficiency; BH4-deficient hyperphenylalaninemia A. Identifiers: Orphanet 13, Orphanet 238583, MedGen C0878676, MONDO:0009863, OMIM 261640.

Allele frequency attached by ClinVar (database versions not stated): gnomAD exomes below 0.00001.
gnomAD v4.1: 4 of 1,609,502 alleles (0.00025%); highest among the groups gnomAD compares: Non-Finnish European, 0.00034%; no homozygotes.

Submissions (4):

Women's Health and Genetics/Laboratory Corporation of America, LabCorp
Classification: Likely pathogenic for 6-Pyruvoyl-tetrahydrobiopterin synthase deficiency. Last evaluated: 2024-10-18. Review status: criteria provided, single submitter. Criteria: LabCorp Variant Classification Summary - May 2015. Collection method: clinical testing. Allele origin: germline.
Comment: Variant summary: PTS c.315-2A>G is located in a canonical splice-site and is predicted to affect mRNA splicing resulting in a significantly altered protein due to either exon skipping, shortening, or inclusion of intronic material. Variants that disrupt the consensus splice site are a relatively common cause of aberrant splicing and loss of PTS function. Several computational tools predict a significant impact on normal splicing: Four predict the variant abolishes a 3' acceptor site. However, these predictions have yet to be confirmed by functional studies. The variant was absent in 246250 control chromosomes (gnomAD). c.315-2A>G has been reported in the literature in individuals affected with 6-Pyruvoyl-Tetrahydropterin Synthase Deficiency (Manzoni_2020). These data indicate that the variant may be associated with disease. To our knowledge, no experimental evidence demonstrating an impact on protein function has been reported. The following publication have been ascertained in the context of this evaluation (PMID: 33234470). ClinVar contains an entry for this variant (Variation ID: 558308). Based on the evidence outlined above, the variant was classified as likely pathogenic.

Labcorp Genetics (formerly Invitae), Labcorp
Classification: Pathogenic for 6-Pyruvoyl-tetrahydrobiopterin synthase deficiency. Last evaluated: 2023-09-21. Review status: criteria provided, single submitter. Criteria: Invitae Variant Classification Sherloc (09022015). Collection method: clinical testing. Allele origin: germline.
Comment: For these reasons, this variant has been classified as Pathogenic. Variants that disrupt the consensus splice site are a relatively common cause of aberrant splicing (PMID: 17576681, 9536098). Algorithms developed to predict the effect of sequence changes on RNA splicing suggest that this variant may disrupt the consensus splice site. ClinVar contains an entry for this variant (Variation ID: 558308). Disruption of this splice site has been observed in individual(s) with biopterin deficient hyperphenylalanemia (PMID: 28057123, 33234470). In at least one individual the data is consistent with being in trans (on the opposite chromosome) from a pathogenic variant. This variant is not present in population databases (gnomAD no frequency). This sequence change affects an acceptor splice site in intron 5 of the PTS gene. While this variant is not anticipated to result in nonsense mediated decay, it likely alters RNA splicing and results in a disrupted protein product.

Baylor Genetics
Classification: Pathogenic for 6-Pyruvoyl-tetrahydrobiopterin synthase deficiency. Last evaluated: 2023-05-31. Review status: criteria provided, single submitter. Criteria: ACMG Guidelines, 2015. Collection method: clinical testing. Allele origin: unknown.

Counsyl
Classification: Likely pathogenic for 6-Pyruvoyl-tetrahydrobiopterin synthase deficiency. Last evaluated: 2018-05-15. Review status: no assertion criteria provided. Collection method: clinical testing. Allele origin: unknown. Not counted in ClinVar's aggregate classification.

Literature cited by the submitters: PubMed 33234470 (cited by Women's Health and Genetics/Laboratory Corporation of America, LabCorp and Labcorp Genetics (formerly Invitae), Labcorp); PubMed 17576681 (cited by Labcorp Genetics (formerly Invitae), Labcorp); PubMed 9536098 (cited by Labcorp Genetics (formerly Invitae), Labcorp); PubMed 28057123 (cited by Labcorp Genetics (formerly Invitae), Labcorp).